The following is an entry in ClinVar:

ClinVar aggregate classification (germline): Uncertain significance. Review status: criteria provided, multiple submitters, no conflicts (2 of 4 stars). 2 submissions from 2 submitters: Uncertain significance (2). Last evaluated 2022-08-22.

Allele frequency attached by ClinVar (database versions not stated): ExAC 0.00001; gnomAD 0.00001; gnomAD exomes 0.00001 and 0.00002; TOPMed 0.00001.
gnomAD v4.1: 16 of 1,614,042 alleles (0.00099%); highest among the groups gnomAD compares: South Asian, 0.0077%; no homozygotes.

Submissions (2):

Blueprint Genetics
Classification: Uncertain significance. Last evaluated: 2022-08-22. Review status: criteria provided, single submitter. Criteria: ACMG Guidelines, 2015. Collection method: clinical testing. Allele origin: germline.

Labcorp Genetics (formerly Invitae), Labcorp
Classification: Uncertain significance. Last evaluated: 2021-07-22. Review status: criteria provided, single submitter. Criteria: Invitae Variant Classification Sherloc (09022015). Collection method: clinical testing. Allele origin: germline.
Comment: This variant has been observed in individual(s) with autosomal recessive CD137 deficiency (PMID: 31501153). Algorithms developed to predict the effect of missense changes on protein structure and function are either unavailable or do not agree on the potential impact of this missense change (SIFT: "Deleterious"; PolyPhen-2: "Probably Damaging"; Align-GVGD: "Class C0"). In summary, the available evidence is currently insufficient to determine the role of this variant in disease. Therefore, it has been classified as a Variant of Uncertain Significance. This variant is present in population databases (rs769884031, ExAC 0.006%). This sequence change replaces threonine with methionine at codon 151 of the TNFRSF9 protein (p.Thr151Met). The threonine residue is moderately conserved and there is a moderate physicochemical difference between threonine and methionine.

Literature cited by the submitters: PubMed 31501153 (cited by Labcorp Genetics (formerly Invitae), Labcorp).

NM_001561.6(TNFRSF9):c.452C>T (p.Thr151Met)

Gene: TNFRSF9 (TNF receptor superfamily member 9; minus strand). Cytogenetic location: 1p36.23.
Variant type: single nucleotide variant.
Coding change: c.452C>T on transcript NM_001561.6 (MANE Select); coding-DNA position 452, C replaced by T.
Protein change: p.Thr151Met; replaces threonine 151 with methionine.
Molecular consequence: missense variant.
Genome position (GRCh38, 1-based): chr1:7,935,105, G>A on the plus strand (C>T on the coding strand, the complement: TNFRSF9 is on the minus strand). VCF-style: chr1-7935105-G-A. GRCh37 (hg19) VCF-style: chr1-7995165-G-A.
Other names: short protein forms T151M.
Identifiers: ClinVar variation 1357056 (VCV001357056.9), dbSNP rs769884031, ClinGen allele CA569218.
Genomic context (GRCh38, chr1:7,935,105, plus strand): 5'-GAGGATGCTCCCGGAGAGAGGTCGGCTGGAGATGGTCCACAGACCACGTCCCTCTCCTTC[G>A]TCCCATTCACAAGCACAGACTTTCCATCCAAAGAACAGCTTAGACAGTTCAATGAAAATA-3'
Protein context (NP_001552.2, residues 141-161): LDGKSVLVNG[Thr151Met]KERDVVCGPS